The following is an entry in ClinVar:

ClinVar aggregate classification (germline): Conflicting classifications of pathogenicity. Review status: criteria provided, conflicting classifications (1 of 4 stars). 3 submissions from 3 submitters: Likely pathogenic (1); Uncertain significance (2). Last evaluated 2025-11-27.

Allele frequency attached by ClinVar (database versions not stated): ExAC 0.00001; gnomAD 0.00001; TOPMed 0.00001; gnomAD exomes 0.00002.
gnomAD v4.1: 29 of 1,611,812 alleles (0.0018%); highest among the groups gnomAD compares: Non-Finnish European, 0.0025%; no homozygotes.

Submissions (3):

Labcorp Genetics (formerly Invitae), Labcorp
Classification: Likely pathogenic. Last evaluated: 2025-11-27. Review status: criteria provided, single submitter. Criteria: Invitae Variant Classification Sherloc (09022015). Collection method: clinical testing. Allele origin: germline.
Comment: This sequence change affects codon 540 of the PDE6A mRNA. It is a 'silent' change, meaning that it does not change the encoded amino acid sequence of the PDE6A protein. This variant also falls at the last nucleotide of exon 12, which is part of the consensus splice site for this exon. This variant is not present in population databases (gnomAD no frequency). This variant has been observed in individual(s) with inherited retinal disease and/or retinitis pigmentosa (PMID: 38219857; internal data). In at least one individual the data is consistent with being in trans (on the opposite chromosome) from a pathogenic variant. ClinVar contains an entry for this variant (Variation ID: 167432). Variants that disrupt the consensus splice site are a relatively common cause of aberrant splicing (PMID: 17576681, 9536098). Algorithms developed to predict the effect of sequence changes on RNA splicing suggest that this variant may disrupt the consensus splice site. In summary, the currently available evidence indicates that the variant is pathogenic, but additional data are needed to prove that conclusively. Therefore, this variant has been classified as Likely Pathogenic.

Blueprint Genetics
Classification: Uncertain significance. Last evaluated: 2018-11-10. Review status: criteria provided, single submitter. Criteria: ACMG Guidelines, 2015. Collection method: clinical testing. Allele origin: germline.

Eurofins Ntd Llc (ga)
Classification: Uncertain significance. Last evaluated: 2014-04-07. Review status: criteria provided, single submitter. Criteria: EGL Classification Definitions 2015. Collection method: clinical testing. Allele origin: germline. Observed: 1 variant allele, 1 heterozygote.

Literature cited by the submitters: PubMed 38219857 (cited by Labcorp Genetics (formerly Invitae), Labcorp); PubMed 17576681 (cited by Labcorp Genetics (formerly Invitae), Labcorp); PubMed 9536098 (cited by Labcorp Genetics (formerly Invitae), Labcorp).

NM_000440.3(PDE6A):c.1620G>A (p.Glu540=)

Gene: PDE6A (phosphodiesterase 6A; minus strand). Cytogenetic location: 5q32.
Variant type: single nucleotide variant.
Coding change: c.1620G>A on transcript NM_000440.3 (MANE Select); coding-DNA position 1620, G replaced by A.
Protein change: p.Glu540=; no amino-acid change (glutamic acid 540 retained).
Molecular consequence: synonymous variant.
Genome position (GRCh38, 1-based): chr5:149,896,356, C>T on the plus strand (G>A on the coding strand, the complement: PDE6A is on the minus strand). VCF-style: chr5-149896356-C-T. GRCh37 (hg19) VCF-style: chr5-149275919-C-T.
Identifiers: ClinVar variation 167432 (VCV000167432.18), dbSNP rs727504072, ClinGen allele CA234509.
Genomic context (GRCh38, chr5:149,896,356, plus strand): 5'-TTAAAGCAAGCAAGAAAGAAAATTAAAAAGGGAAATCATATATATTTGTTTTGACCTCAC[C>T]TCTTGTGGAATGTGAAATTTATCCACCACTTTGAGCTCATAATACATCTGTATTCCACAT-3'
Protein context (NP_000431.2, residues 530-550): KVVDKFHIPQ[Glu540=]ALVRFMYSLS